The following is an entry in ClinVar:

NM_025137.4(SPG11):c.5330_5333del (p.Thr1777fs)

Gene: SPG11 (SPG11 vesicle trafficking associated, spatacsin; minus strand). Cytogenetic location: 15q21.1.
Variant type: Deletion.
Coding change: c.5330_5333del on transcript NM_025137.4 (MANE Select); coding-DNA positions 5330 to 5333, 4 bases deleted (CCTT; older notation c.5330_5333delCCTT).
Protein change: p.Thr1777fs; shifts the reading frame from threonine 1777.
Molecular consequence: frameshift variant.
Genome position (GRCh38, 1-based): chr15:44,584,347-44,584,350, AAGG deleted on the plus strand (CCTT on the coding strand, the reverse complement: SPG11 is on the minus strand). VCF-style (leftmost placement, unchanged base first): chr15-44584346-CAAGG-C. GRCh37 (hg19) VCF-style: chr15-44876544-CAAGG-C.
Other names: c.5330_5333del, p.Thr1777fs (NM_001160227.2); c.5186_5189del, p.Thr1729fs (NM_001411132.1); short protein forms T1729fs, T1777fs.
Identifiers: ClinVar variation 3723931 (VCV003723931.2).

ClinVar aggregate classification (germline): Pathogenic (1 of 4 stars; one submission).

Conditions:
Hereditary spastic paraplegia 11. Also called: SPASTIC PARAPLEGIA, AUTOSOMAL RECESSIVE, COMPLICATED, WITH THIN CORPUS CALLOSUM; SPASTIC PARAPLEGIA, AUTOSOMAL RECESSIVE, WITH MENTAL IMPAIRMENT AND THIN CORPUS CALLOSUM; Spastic paraplegia, mental retardation and thin corpus callosum; Nakamura Osame syndrome; Autosomal recessive hereditary spastic paraplegia, mental impairment, and thin corpus callosum; Spastic Paraplegia 11. Identifiers: Orphanet 2822, MedGen C1858479, MONDO:0011445, OMIM 604360.

Submission:

Labcorp Genetics (formerly Invitae), Labcorp
Classification: Pathogenic for Hereditary spastic paraplegia 11. Last evaluated: 2024-10-28. Review status: criteria provided, single submitter. Criteria: Invitae Variant Classification Sherloc (09022015). Collection method: clinical testing. Allele origin: germline.
Comment: This sequence change creates a premature translational stop signal (p.Thr1777Argfs*60) in the SPG11 gene. It is expected to result in an absent or disrupted protein product. Loss-of-function variants in SPG11 are known to be pathogenic (PMID: 19105190, 20110243, 22154821, 26556829). This variant is not present in population databases (gnomAD no frequency). This variant has not been reported in the literature in individuals affected with SPG11-related conditions. For these reasons, this variant has been classified as Pathogenic.

Literature cited by the submitters: PubMed 19105190; PubMed 20110243; PubMed 22154821; PubMed 26556829.